The following is an entry in ClinVar:

NM_002303.6(LEPR):c.2628G>A (p.Pro876=)

Gene: LEPR (leptin receptor; plus strand). Cytogenetic location: 1p31.3.
Variant type: single nucleotide variant.
Coding change: c.2628G>A on transcript NM_002303.6 (MANE Select); coding-DNA position 2628, G replaced by A.
Protein change: p.Pro876=; no amino-acid change (proline 876 retained).
Molecular consequence: synonymous variant.
Genome position (GRCh38, 1-based): chr1:65,622,936, G>A. VCF-style: chr1-65622936-G-A. GRCh37 (hg19) VCF-style: chr1-66088619-G-A.
Other names: c.2628G>A, p.Pro876= (NM_001003679.3, NM_001003680.3, NM_001198687.2 and 2 more transcripts).
Identifiers: ClinVar variation 3029200 (VCV003029200.2), dbSNP rs748857078, ClinGen allele CA895065.

ClinVar aggregate classification (germline): Likely benign (0 of 4 stars; one submission).

Conditions:
LEPR-related disorder. Also called: LEPR-related condition; LEPR-related disorders.

Allele frequency attached by ClinVar (database versions not stated): TOPMed below 0.00001; gnomAD 0.00001; gnomAD exomes 0.00001; ExAC 0.00002.
gnomAD v4.1: 17 of 1,613,758 alleles (0.0011%); highest among the groups gnomAD compares: South Asian, 0.0033%; no homozygotes.

Submission:

PreventionGenetics, part of Exact Sciences
Classification: Likely benign for LEPR-related condition. Last evaluated: 2021-06-08. Review status: no assertion criteria provided. Collection method: clinical testing. Allele origin: germline.
Comment: This variant is classified as likely benign based on ACMG/AMP sequence variant interpretation guidelines (Richards et al. 2015 PMID: 25741868, with internal and published modifications).